The following is an entry in ClinVar:

NM_000521.4(HEXB):c.1573G>A (p.Ala525Thr)

Gene: HEXB (hexosaminidase subunit beta; plus strand). Cytogenetic location: 5q13.3.
Variant type: single nucleotide variant.
Coding change: c.1573G>A on transcript NM_000521.4 (MANE Select); coding-DNA position 1573, G replaced by A.
Protein change: p.Ala525Thr; replaces alanine 525 with threonine.
Molecular consequence: missense variant.
Genome position (GRCh38, 1-based): chr5:74,720,707, G>A. VCF-style: chr5-74720707-G-A. GRCh37 (hg19) VCF-style: chr5-74016532-G-A.
Other names: c.898G>A, p.Ala300Thr (NM_001292004.2); short protein forms A300T, A525T.
Identifiers: ClinVar variation 2918626 (VCV002918626.3), dbSNP rs776338602, ClinGen allele CA3306204.

ClinVar aggregate classification (germline): Uncertain significance (1 of 4 stars; one submission).

Conditions:
Sandhoff disease. Also called: GM2-GANGLIOSIDOSIS, TYPE II; HEXOSAMINIDASES A AND B DEFICIENCY; Beta-hexosaminidase-beta-subunit deficiency; GM2 gangliosidosis, type 2; Total hexosaminidase deficiency; Sandhoff-Jatzkewitz-Pilz disease. Identifiers: Orphanet 796, MedGen C0036161, MONDO:0010006, OMIM 268800.

Allele frequency attached by ClinVar (database versions not stated): gnomAD exomes 0.00001; ExAC 0.00002.
gnomAD v4.1: 15 of 1,614,132 alleles (0.00093%); highest among the groups gnomAD compares: East Asian, 0.0045%; no homozygotes.

Submission:

Labcorp Genetics (formerly Invitae), Labcorp
Classification: Uncertain significance for Sandhoff disease. Last evaluated: 2025-05-05. Review status: criteria provided, single submitter. Criteria: Invitae Variant Classification Sherloc (09022015). Collection method: clinical testing. Allele origin: germline.
Comment: This sequence change replaces alanine, which is neutral and non-polar, with threonine, which is neutral and polar, at codon 525 of the HEXB protein (p.Ala525Thr). This variant is present in population databases (rs776338602, gnomAD 0.01%). This variant has not been reported in the literature in individuals affected with HEXB-related conditions. ClinVar contains an entry for this variant (Variation ID: 2918626). Invitae Evidence Modeling of protein sequence and biophysical properties (such as structural, functional, and spatial information, amino acid conservation, physicochemical variation, residue mobility, and thermodynamic stability) has been performed for this missense variant. However, the output from this modeling did not meet the statistical confidence thresholds required to predict the impact of this variant on HEXB protein function. In summary, the available evidence is currently insufficient to determine the role of this variant in disease. Therefore, it has been classified as a Variant of Uncertain Significance.